The following is an entry in ClinVar:

ClinVar aggregate classification (germline): Uncertain significance (1 of 4 stars; one submission).

Conditions:
Inborn genetic diseases. Identifiers: MedGen C0950123, MeSH D030342.

Submission:

Ambry Genetics
Classification: Uncertain significance for Inborn genetic diseases. Last evaluated: 2024-04-28. Review status: criteria provided, single submitter. Criteria: Ambry Variant Classification Scheme 2023. Collection method: clinical testing. Allele origin: germline.
Comment: The p.T2423N variant (also known as c.7268C>A), located in coding exon 49 of the LRRK2 gene, results from a C to A substitution at nucleotide position 7268. The threonine at codon 2423 is replaced by asparagine, an amino acid with similar properties. This amino acid position is conserved. In addition, this alteration is predicted to be tolerated by in silico analysis. Based on the available evidence, the clinical significance of this variant remains unclear.

NM_198578.4(LRRK2):c.7268C>A (p.Thr2423Asn)

Gene: LRRK2 (leucine rich repeat kinase 2; plus strand). Cytogenetic location: 12q12.
Variant type: single nucleotide variant.
Coding change: c.7268C>A on transcript NM_198578.4 (MANE Select); coding-DNA position 7268, C replaced by A.
Protein change: p.Thr2423Asn; replaces threonine 2423 with asparagine.
Molecular consequence: missense variant.
Genome position (GRCh38, 1-based): chr12:40,364,928, C>A. VCF-style: chr12-40364928-C-A. GRCh37 (hg19) VCF-style: chr12-40758730-C-A.
Other names: short protein forms T2423N.
Identifiers: ClinVar variation 3291860 (VCV003291860.1).